The following is an entry in ClinVar:

ClinVar aggregate classification (germline): Likely benign. Review status: criteria provided, single submitter (1 of 4 stars). 2 submissions from 2 submitters: Likely benign (1). 1 of the submissions does not count toward it. Last evaluated 2024-05-02.

Conditions:
FBN2-related disorder. Also called: FBN2-related condition.
Familial thoracic aortic aneurysm and aortic dissection (TAAD). Also called: Thoracic aortic aneurysms and dissections. Identifiers: Orphanet 91387, MedGen C4707243, MONDO:0019625.

gnomAD v4.1: 6 of 1,614,058 alleles (0.00037%); highest among the groups gnomAD compares: East Asian, 0.0022%; no homozygotes.

Submissions (2):

Ambry Genetics
Classification: Likely benign for Familial thoracic aortic aneurysm and aortic dissection. Last evaluated: 2024-05-02. Review status: criteria provided, single submitter. Criteria: Ambry Variant Classification Scheme 2023. Collection method: clinical testing. Allele origin: germline.

PreventionGenetics, part of Exact Sciences
Classification: Likely benign for FBN2-related condition. Last evaluated: 2021-12-08. Review status: no assertion criteria provided. Collection method: clinical testing. Allele origin: germline. Not counted in ClinVar's aggregate classification.
Comment: This variant is classified as likely benign based on ACMG/AMP sequence variant interpretation guidelines (Richards et al. 2015 PMID: 25741868, with internal and published modifications).

NM_001999.4(FBN2):c.309G>A (p.Thr103=)

Gene: FBN2 (fibrillin 2; minus strand). Cytogenetic location: 5q23.3.
Variant type: single nucleotide variant.
Coding change: c.309G>A on transcript NM_001999.4 (MANE Select); coding-DNA position 309, G replaced by A.
Protein change: p.Thr103=; no amino-acid change (threonine 103 retained).
Molecular consequence: synonymous variant.
Genome position (GRCh38, 1-based): chr5:128,536,430, C>T on the plus strand (G>A on the coding strand, the complement: FBN2 is on the minus strand). VCF-style: chr5-128536430-C-T. GRCh37 (hg19) VCF-style: chr5-127872123-C-T.
Identifiers: ClinVar variation 3057352 (VCV003057352.3), dbSNP rs766113584, ClinGen allele CA3396159.